The following is an entry in ClinVar:

NM_032119.4(ADGRV1):c.6778C>G (p.Arg2260Gly)

Gene: ADGRV1 (adhesion G protein-coupled receptor V1; plus strand). Cytogenetic location: 5q14.3.
Variant type: single nucleotide variant.
Coding change: c.6778C>G on transcript NM_032119.4 (MANE Select); coding-DNA position 6778, C replaced by G.
Protein change: p.Arg2260Gly; replaces arginine 2260 with glycine.
Molecular consequence: missense variant. On other transcripts: non-coding transcript variant (1).
Genome position (GRCh38, 1-based): chr5:90,690,868, C>G. VCF-style: chr5-90690868-C-G. GRCh37 (hg19) VCF-style: chr5-89986685-C-G.
Other names: short protein forms R2260G.
Identifiers: ClinVar variation 1351939 (VCV001351939.6), dbSNP rs779821643, ClinGen allele CA360367747.

ClinVar aggregate classification (germline): Uncertain significance. Review status: criteria provided, multiple submitters, no conflicts (2 of 4 stars). 2 submissions from 2 submitters: Uncertain significance (2). Last evaluated 2022-02-11.

gnomAD v4.1: 3 of 1,611,934 alleles (0.00019%); highest among the groups gnomAD compares: Admixed American, 0.005%; no homozygotes.

Submissions (2):

Labcorp Genetics (formerly Invitae), Labcorp
Classification: Uncertain significance. Last evaluated: 2022-02-11. Review status: criteria provided, single submitter. Criteria: Invitae Variant Classification Sherloc (09022015). Collection method: clinical testing. Allele origin: germline.
Comment: This sequence change replaces arginine, which is basic and polar, with glycine, which is neutral and non-polar, at codon 2260 of the ADGRV1 protein (p.Arg2260Gly). This variant is present in population databases (no rsID available, gnomAD 0.006%). This variant has not been reported in the literature in individuals affected with ADGRV1-related conditions. Algorithms developed to predict the effect of missense changes on protein structure and function are either unavailable or do not agree on the potential impact of this missense change (SIFT: "Deleterious"; PolyPhen-2: "Possibly Damaging"; Align-GVGD: "Class C0"). In summary, the available evidence is currently insufficient to determine the role of this variant in disease. Therefore, it has been classified as a Variant of Uncertain Significance.

Blueprint Genetics
Classification: Uncertain significance. Last evaluated: 2019-02-05. Review status: criteria provided, single submitter. Criteria: ACMG Guidelines, 2015. Collection method: clinical testing. Allele origin: germline.